The following is an entry in ClinVar:

ClinVar aggregate classification (germline): Pathogenic (1 of 4 stars; one submission).

Submission:

Labcorp Genetics (formerly Invitae), Labcorp
Classification: Pathogenic. Last evaluated: 2022-03-18. Review status: criteria provided, single submitter. Criteria: Invitae Variant Classification Sherloc (09022015). Collection method: clinical testing. Allele origin: germline.
Comment: For these reasons, this variant has been classified as Pathogenic. This variant has not been reported in the literature in individuals affected with DARS2-related conditions. This variant is a gross deletion of the genomic region encompassing exon(s) 1-5 of the DARS2 gene, which includes the initiator codon. This deletion extends beyond the assayed region for this gene and therefore may encompass additional genes. It is expected to result in an absent or disrupted protein product. Loss-of-function variants in DARS2 are known to be pathogenic (PMID: 17384640, 24566671).

Literature cited by the submitters: PubMed 17384640; PubMed 24566671.

NC_000001.10:g.(?_173794368)_(173800788_?)del

Gene: DARS2 (aspartyl-tRNA synthetase 2, mitochondrial; plus strand). Cytogenetic location: 1q25.1.
Variant type: Deletion.
Identifiers: ClinVar variation 2426445 (VCV002426445.4).